The following is an entry in ClinVar:

ClinVar aggregate classification (germline): Uncertain significance. Review status: criteria provided, multiple submitters, no conflicts (2 of 4 stars). 2 submissions from 2 submitters: Uncertain significance (2). Last evaluated 2024-12-23.

Allele frequency attached by ClinVar (database versions not stated): ExAC 0.00001.

Submissions (2):

Dasa
Classification: Uncertain significance. Last evaluated: 2024-12-23. Review status: criteria provided, single submitter. Criteria: DASA Assertion Criteria. Collection method: clinical testing. Allele origin: germline.
Comment: NM_001371904.1(APOA5):c.607G>T (p.Gly203Trp) is a missense variant that results in the substitution of glycine with tryptophan. This variant is rare in population databases. The currently available literature and clinical evidence are not sufficient to establish a definitive association between this variant and the reported condition. Therefore, this variant is classified as a variant of uncertain significance.

Mendelics
Classification: Uncertain significance. Last evaluated: 2022-05-04. Review status: criteria provided, single submitter. Criteria: Mendelics Assertion Criteria 2019. Collection method: clinical testing. Allele origin: germline.

NM_001371904.1(APOA5):c.607G>T (p.Gly203Trp)

Gene: APOA5 (apolipoprotein A5; minus strand). Cytogenetic location: 11q23.3.
Variant type: single nucleotide variant.
Coding change: c.607G>T on transcript NM_001371904.1 (MANE Select); coding-DNA position 607, G replaced by T.
Protein change: p.Gly203Trp; replaces glycine 203 with tryptophan.
Molecular consequence: missense variant.
Genome position (GRCh38, 1-based): chr11:116,790,622, C>A on the plus strand (G>T on the coding strand, the complement: APOA5 is on the minus strand). VCF-style: chr11-116790622-C-A. GRCh37 (hg19) VCF-style: chr11-116661338-C-A.
Other names: c.607G>T, p.Gly203Trp (NM_001166598.2, NM_052968.5); short protein forms G203W.
Identifiers: ClinVar variation 1686456 (VCV001686456.3), dbSNP rs778493133, ClinGen allele CA6289041.